The following is an entry in ClinVar:

NM_001852.4(COL9A2):c.71A>T (p.Gln24Leu)

Gene: COL9A2 (collagen type IX alpha 2 chain; minus strand). Cytogenetic location: 1p34.2.
Variant type: single nucleotide variant.
Coding change: c.71A>T on transcript NM_001852.4 (MANE Select); coding-DNA position 71, A replaced by T.
Protein change: p.Gln24Leu; replaces glutamine 24 with leucine.
Molecular consequence: missense variant.
Genome position (GRCh38, 1-based): chr1:40,317,127, T>A on the plus strand (A>T on the coding strand, the complement: COL9A2 is on the minus strand). VCF-style: chr1-40317127-T-A. GRCh37 (hg19) VCF-style: chr1-40782799-T-A.
Other names: short protein forms Q24L.
Identifiers: ClinVar variation 4777216 (VCV004777216.1).

ClinVar aggregate classification (germline): Uncertain significance (1 of 4 stars; one submission).

gnomAD v4.1: 17 of 1,575,902 alleles (0.0011%); highest among the groups gnomAD compares: South Asian, 0.02%; no homozygotes.

Submission:

Labcorp Genetics (formerly Invitae), Labcorp
Classification: Uncertain significance. Last evaluated: 2025-12-19. Review status: criteria provided, single submitter. Criteria: Invitae Variant Classification Sherloc (09022015). Collection method: clinical testing. Allele origin: germline.
Comment: This sequence change replaces glutamine, which is neutral and polar, with leucine, which is neutral and non-polar, at codon 24 of the COL9A2 protein (p.Gln24Leu). This variant is present in population databases (rs764737673, gnomAD 0.01%). This variant has not been reported in the literature in individuals affected with COL9A2-related conditions. Invitae Evidence Modeling of protein sequence and biophysical properties (such as structural, functional, and spatial information, amino acid conservation, physicochemical variation, residue mobility, and thermodynamic stability) indicates that this missense variant is not expected to disrupt COL9A2 protein function with a negative predictive value of 95%. In summary, the available evidence is currently insufficient to determine the role of this variant in disease. Therefore, it has been classified as a Variant of Uncertain Significance.